The following is an entry in ClinVar:

NM_032119.4(ADGRV1):c.18310+175C>T

Gene: ADGRV1 (adhesion G protein-coupled receptor V1; plus strand). Cytogenetic location: 5q14.3.
Variant type: single nucleotide variant.
Coding change: c.18310+175C>T on transcript NM_032119.4 (MANE Select); 175 bases into the intron after coding-DNA position 18310, C replaced by T.
Molecular consequence: intron variant.
Genome position (GRCh38, 1-based): chr5:91,072,779, C>T. VCF-style: chr5-91072779-C-T. GRCh37 (hg19) VCF-style: chr5-90368596-C-T.
Identifiers: ClinVar variation 678815 (VCV000678815.1), dbSNP rs9293558, ClinGen allele CA11936641.

ClinVar aggregate classification (germline): Benign (1 of 4 stars; one submission).

Allele frequency attached by ClinVar (database versions not stated): TOPMed 0.78715; gnomAD 0.79081 and 0.79110; 1000 Genomes Project 0.79573; 1000 Genomes Project 30x 0.79638.
gnomAD v4.1: 120,216 of 152,062 alleles (79%); highest among the groups gnomAD compares: South Asian, 82%; 47,631 homozygotes.

Submission:

GeneDx
Classification: Benign. Last evaluated: 2018-06-14. Review status: criteria provided, single submitter. Criteria: GeneDx Variant Classification (06012015). Collection method: clinical testing. Allele origin: germline. Affected: yes.
Comment: This variant is considered likely benign or benign based on one or more of the following criteria: it is a conservative change, it occurs at a poorly conserved position in the protein, it is predicted to be benign by multiple in silico algorithms, and/or has population frequency not consistent with disease.